The following is an entry in ClinVar:

NM_001048174.2(MUTYH):c.589T>G (p.Ser197Ala)

Gene: MUTYH (mutY DNA glycosylase; minus strand). Cytogenetic location: 1p34.1.
Variant type: single nucleotide variant.
Coding change: c.589T>G on transcript NM_001048174.2 (MANE Select); coding-DNA position 589, T replaced by G.
Protein change: p.Ser197Ala; replaces serine 197 with alanine.
Molecular consequence: missense variant. On other transcripts: non-coding transcript variant (2).
Genome position (GRCh38, 1-based): chr1:45,332,591, A>C on the plus strand (T>G on the coding strand, the complement: MUTYH is on the minus strand). VCF-style: chr1-45332591-A-C. GRCh37 (hg19) VCF-style: chr1-45798263-A-C.
Other names: c.589T>G, p.Ser197Ala (NM_001048171.2, NM_001048173.2, NM_001293195.2 and 6 more transcripts); c.592T>G, p.Ser198Ala (NM_001048172.2, NM_001407071.1, NM_001407078.1 and 1 more transcripts); c.673T>G, p.Ser225Ala (NM_001128425.2); c.634T>G, p.Ser212Ala (NM_001293190.2); c.622T>G, p.Ser208Ala (NM_001293191.2, NM_001407069.1, NM_001407077.1); c.313T>G, p.Ser105Ala (NM_001293192.2, NM_001293196.2, NM_001407091.1); c.244T>G, p.Ser82Ala (NM_001350650.2, NM_001350651.2, NM_001407082.1); c.505T>G, p.Ser169Ala (NM_001407075.1); and 5 more; short protein forms S105A, S197A, S208A, S212A, S82A, S198A, S225A, S169A.
Identifiers: ClinVar variation 1755191 (VCV001755191.2), dbSNP rs2149149399, ClinGen allele CA340135288.

ClinVar aggregate classification (germline): Uncertain significance (1 of 4 stars; one submission).

Conditions:
Hereditary cancer-predisposing syndrome. Also called: Neoplastic Syndromes, Hereditary; Tumor predisposition; Hereditary Cancer Syndrome; Hereditary neoplastic syndrome. Identifiers: Orphanet 140162, MedGen C0027672, MeSH D009386, MONDO:0015356.

Submission:

Ambry Genetics
Classification: Uncertain significance for Hereditary cancer-predisposing syndrome. Last evaluated: 2022-10-01. Review status: criteria provided, single submitter. Criteria: Ambry Variant Classification Scheme 2023. Collection method: clinical testing. Allele origin: germline.
Comment: The p.S225A variant (also known as c.673T>G), located in coding exon 8 of the MUTYH gene, results from a T to G substitution at nucleotide position 673. The serine at codon 225 is replaced by alanine, an amino acid with similar properties. This amino acid position is conserved. In addition, this alteration is predicted to be deleterious by in silico analysis. Since supporting evidence is limited at this time, the clinical significance of this alteration remains unclear.